The following is an entry in ClinVar:

ClinVar aggregate classification (germline): Uncertain significance (1 of 4 stars; one submission).

gnomAD v4.1: 1 of 1,610,084 alleles (0.000062%); highest among the groups gnomAD compares: Non-Finnish European, 0.000085%; no homozygotes.

Submission:

Labcorp Genetics (formerly Invitae), Labcorp
Classification: Uncertain significance. Last evaluated: 2023-09-22. Review status: criteria provided, single submitter. Criteria: Invitae Variant Classification Sherloc (09022015). Collection method: clinical testing. Allele origin: germline.
Comment: Advanced modeling of protein sequence and biophysical properties (such as structural, functional, and spatial information, amino acid conservation, physicochemical variation, residue mobility, and thermodynamic stability) performed at Invitae indicates that this missense variant is not expected to disrupt AK7 protein function. This sequence change replaces arginine, which is basic and polar, with threonine, which is neutral and polar, at codon 306 of the AK7 protein (p.Arg306Thr). This variant is not present in population databases (gnomAD no frequency). This variant has not been reported in the literature in individuals affected with AK7-related conditions. In summary, the available evidence is currently insufficient to determine the role of this variant in disease. Therefore, it has been classified as a Variant of Uncertain Significance.

NM_152327.5(AK7):c.917G>C (p.Arg306Thr)

Gene: AK7 (adenylate kinase 7; plus strand). Cytogenetic location: 14q32.2.
Variant type: single nucleotide variant.
Coding change: c.917G>C on transcript NM_152327.5 (MANE Select); coding-DNA position 917, G replaced by C.
Protein change: p.Arg306Thr; replaces arginine 306 with threonine.
Molecular consequence: missense variant. On other transcripts: intron variant (1).
Genome position (GRCh38, 1-based): chr14:96,449,848, G>C. VCF-style: chr14-96449848-G-C. GRCh37 (hg19) VCF-style: chr14-96916185-G-C.
Other names: c.917G>C, p.Arg306Thr (NM_001350888.2, NM_001350890.2, NM_001350892.2); c.871-1573G>C (NM_001350891.2); short protein forms R306T.
Identifiers: ClinVar variation 2984759 (VCV002984759.3), dbSNP rs1242085448, ClinGen allele CA390912718.